The following is an entry in ClinVar:

NM_183357.3(ADCY5):c.1510C>A (p.Leu504Met)

Gene: ADCY5 (adenylate cyclase 5; minus strand). Cytogenetic location: 3q21.1.
Variant type: single nucleotide variant.
Coding change: c.1510C>A on transcript NM_183357.3 (MANE Select); coding-DNA position 1510, C replaced by A.
Protein change: p.Leu504Met; replaces leucine 504 with methionine.
Molecular consequence: missense variant.
Genome position (GRCh38, 1-based): chr3:123,332,572, G>T on the plus strand (C>A on the coding strand, the complement: ADCY5 is on the minus strand). VCF-style: chr3-123332572-G-T. GRCh37 (hg19) VCF-style: chr3-123051419-G-T.
Other names: c.460C>A, p.Leu154Met (NM_001199642.1); c.1510C>A, p.Leu504Met (NM_001378259.1); short protein forms L154M, L504M.
Identifiers: ClinVar variation 4540286 (VCV004540286.1).
Genomic context (GRCh38, chr3:123,332,572, plus strand): 5'-CCCTCAACAGCCCAGGTCAGGCCACCCCAACCCCCGGCTCAGGGTGACTCACTGCGGCCA[G>T]CTTGTCAAAGCGGGCGAAGAGCTCGTTGAGGGTCATGACCAGTTCCTGTGCAGTGCACTG-3'
Protein context (NP_899200.1, residues 494-514): LNELFARFDK[Leu504Met]AAENHCLRIK

ClinVar aggregate classification (germline): Uncertain significance (1 of 4 stars; one submission).

Submission:

GeneDx
Classification: Uncertain significance. Last evaluated: 2025-06-24. Review status: criteria provided, single submitter. Criteria: GeneDx Variant Classification Process June 2021. Collection method: clinical testing. Allele origin: germline. Affected: yes.
Comment: Not observed at significant frequency in large population cohorts (gnomAD); In silico analysis suggests that this missense variant does not alter protein structure/function; Has not been previously published as pathogenic or benign to our knowledge